The following is an entry in ClinVar:

NM_139159.5(DPP9):c.2178G>A (p.Met726Ile)

Genes: DPP9 (dipeptidyl peptidase 9; minus strand), DPP9-AS1 (DPP9 antisense RNA 1; plus strand). Cytogenetic location: 19p13.3.
Variant type: single nucleotide variant.
Coding change: c.2178G>A on transcript NM_139159.5 (MANE Select); coding-DNA position 2178, G replaced by A.
Protein change: p.Met726Ile; replaces methionine 726 with isoleucine.
Molecular consequence: missense variant. On other transcripts: non-coding transcript variant (10), intron variant (1).
Genome position (GRCh38, 1-based): chr19:4,684,663, C>T on the plus strand (G>A on the coding strand, the complement: DPP9 is on the minus strand). VCF-style: chr19-4684663-C-T. GRCh37 (hg19) VCF-style: chr19-4684675-C-T.
Other names: c.2178G>A, p.Met726Ile (NM_001384611.1, NM_001384612.1, NM_001384613.1 and 5 more transcripts); c.2172G>A, p.Met724Ile (NM_001384617.1); c.2151G>A, p.Met717Ile (NM_001384618.1); c.2145G>A, p.Met715Ile (NM_001384619.1); c.2139G>A, p.Met713Ile (NM_001384620.1, NM_001384621.1); c.2091G>A, p.Met697Ile (NM_001384623.1, NM_001384624.1, NM_001384625.1 and 2 more transcripts); c.1938G>A, p.Met646Ile (NM_001384631.1); c.2031+963G>A (NM_001384630.1); short protein forms M646I, M697I, M713I, M715I, M717I, M724I, M726I.
Identifiers: ClinVar variation 3256926 (VCV003256926.1).

ClinVar aggregate classification (germline): Likely pathogenic (1 of 4 stars; one submission).

Conditions:
Susceptibility to severe COVID-19.

Submission:

Molecular Medicine Center, Medical University of Sofia
Classification: Likely pathogenic for Susceptibility to severe COVID-19. Last evaluated: 2024-07-22. Review status: criteria provided, single submitter. Criteria: ACMG Guidelines, 2015. Collection method: research. Allele origin: germline. Affected: yes.
Comment: Novel (unreported in gnomAD or dbSNP until April 2024) variant found in severely infected COVID-19 Bulgarian patients in a research study. Variant is classified as likely pathogenic according to the ACMG criteria: PM1,PM2,PP3,PP4.